The following is an entry in ClinVar:

NM_001958.5(EEF1A2):c.444C>T (p.Leu148=)

Genes: EEF1A2 (eukaryotic translation elongation factor 1 alpha 2; minus strand), LOC132090595 (Neanderthal introgressed variant-containing enhancer experimental_60987; plus strand). Cytogenetic location: 20q13.33.
Variant type: single nucleotide variant.
Coding change: c.444C>T on transcript NM_001958.5 (MANE Select); coding-DNA position 444, C replaced by T.
Protein change: p.Leu148=; no amino-acid change (leucine 148 retained).
Molecular consequence: synonymous variant.
Genome position (GRCh38, 1-based): chr20:63,494,982, G>A on the plus strand (C>T on the coding strand, the complement: EEF1A2 is on the minus strand). VCF-style: chr20-63494982-G-A. GRCh37 (hg19) VCF-style: chr20-62126335-G-A.
Identifiers: ClinVar variation 2073532 (VCV002073532.28), dbSNP rs762953572, ClinGen allele CA9959101.

ClinVar aggregate classification (germline): Likely benign. Review status: criteria provided, multiple submitters, no conflicts (2 of 4 stars). 2 submissions from 2 submitters: Likely benign (2). Last evaluated 2024-01-22.

Conditions:
Developmental and epileptic encephalopathy, 33 (DEE33). Also called: Epileptic encephalopathy, early infantile, 33. Identifiers: Orphanet 442835, MedGen C4225337, MONDO:0014625, OMIM 616409.

Allele frequency attached by ClinVar (database versions not stated): gnomAD exomes 0.00004; ExAC 0.00005.
gnomAD v4.1: 51 of 1,612,816 alleles (0.0032%); highest among the groups gnomAD compares: South Asian, 0.056%; no homozygotes.

Submissions (2):

Labcorp Genetics (formerly Invitae), Labcorp
Classification: Likely benign for Developmental and epileptic encephalopathy, 33. Last evaluated: 2024-01-22. Review status: criteria provided, single submitter. Criteria: Invitae Variant Classification Sherloc (09022015). Collection method: clinical testing. Allele origin: germline.

CeGaT Center for Human Genetics Tuebingen
Classification: Likely benign. Last evaluated: 2022-07-01. Review status: criteria provided, single submitter. Criteria: CeGaT Center For Human Genetics Tuebingen Variant Classification Criteria Version 2. Collection method: clinical testing. Allele origin: germline. Affected: yes. Observed: 2 variant alleles.
Comment: EEF1A2: BP4, BP7